The following is an entry in ClinVar:

ClinVar aggregate classification (germline): Conflicting classifications of pathogenicity. Review status: criteria provided, conflicting classifications (1 of 4 stars). 7 submissions from 7 submitters: Uncertain significance (1); Likely benign (5). 1 of the submissions does not count toward it. Last evaluated 2026-01-28.

Conditions:
SGCD-related disorder. Also called: SGCD-related condition.
Inborn genetic diseases. Identifiers: MedGen C0950123, MeSH D030342.
Autosomal recessive limb-girdle muscular dystrophy type 2F (LGMDR6). Also called: Muscular dystrophy limb-girdle with delta-sarcoglyan deficiency; MUSCULAR DYSTROPHY, LIMB-GIRDLE, AUTOSOMAL RECESSIVE 6. Identifiers: Orphanet 219, MedGen C1832525, MONDO:0011028, OMIM 601287. Disease mechanism: Affects gamma-sarcoglycan and also disrupts the integrity of the entire sarcoglycan complex..

Allele frequency attached by ClinVar (database versions not stated): gnomAD exomes 0.00003 and 0.00009; ESP Exome Variant Server 0.00017; 1000 Genomes Project 0.00020; ExAC 0.00025; 1000 Genomes Project 30x 0.00031; gnomAD 0.00037 and 0.00041; TOPMed 0.00042.
gnomAD v4.1: 102 of 1,586,526 alleles (0.0064%); highest among the groups gnomAD compares: African/African-American, 0.13%; no homozygotes.

Submissions (7):

Labcorp Genetics (formerly Invitae), Labcorp
Classification: Likely benign for Autosomal recessive limb-girdle muscular dystrophy type 2F. Last evaluated: 2026-01-28. Review status: criteria provided, single submitter. Criteria: Invitae Variant Classification Sherloc (09022015). Collection method: clinical testing. Allele origin: germline.

Blueprint Genetics
Classification: Likely benign. Last evaluated: 2024-11-06. Review status: criteria provided, single submitter. Criteria: ACMG Guidelines, 2015. Collection method: clinical testing. Allele origin: germline.

Ambry Genetics
Classification: Likely benign for Inborn genetic diseases. Last evaluated: 2022-03-04. Review status: criteria provided, single submitter. Criteria: Ambry Variant Classification Scheme 2023. Collection method: clinical testing. Allele origin: germline.

GeneDx
Classification: Likely benign. Last evaluated: 2020-09-09. Review status: criteria provided, single submitter. Criteria: GeneDx Variant Classification Process June 2021. Collection method: clinical testing. Allele origin: germline. Affected: yes.

ARUP Laboratories, Molecular Genetics and Genomics, ARUP Laboratories
Classification: Likely benign. Last evaluated: 2019-06-02. Review status: criteria provided, single submitter. Criteria: ARUP Molecular Germline Variant Investigation Process. Collection method: clinical testing. Allele origin: germline.

Eurofins Ntd Llc (ga)
Classification: Uncertain significance. Last evaluated: 2016-02-09. Review status: criteria provided, single submitter. Criteria: EGL Classification Definitions 2015. Collection method: clinical testing. Allele origin: germline. Observed: 3 variant alleles, 3 heterozygotes.

PreventionGenetics, part of Exact Sciences
Classification: Likely benign for SGCD-related condition. Last evaluated: 2021-01-11. Review status: no assertion criteria provided. Collection method: clinical testing. Allele origin: germline. Not counted in ClinVar's aggregate classification.
Comment: This variant is classified as likely benign based on ACMG/AMP sequence variant interpretation guidelines (Richards et al. 2015 PMID: 25741868, with internal and published modifications).

NM_000337.6(SGCD):c.543T>G (p.Pro181=)

Gene: SGCD (sarcoglycan delta; plus strand). Cytogenetic location: 5q33.3.
Variant type: single nucleotide variant.
Coding change: c.543T>G on transcript NM_000337.6 (MANE Select); coding-DNA position 543, T replaced by G.
Protein change: p.Pro181=; no amino-acid change (proline 181 retained).
Molecular consequence: synonymous variant.
Genome position (GRCh38, 1-based): chr5:156,647,504, T>G. VCF-style: chr5-156647504-T-G. GRCh37 (hg19) VCF-style: chr5-156074514-T-G.
Other names: c.540T>G, p.Pro180= (NM_001128209.2); c.543T>G, p.Pro181= (NM_172244.3).
Identifiers: ClinVar variation 286184 (VCV000286184.29), dbSNP rs200451694, ClinGen allele CA3530625.